The following is an entry in ClinVar:

ClinVar aggregate classification (germline): Likely benign (1 of 4 stars; one submission).

Allele frequency attached by ClinVar (database versions not stated): ESP Exome Variant Server 0.00038; 1000 Genomes Project 0.00040; 1000 Genomes Project 30x 0.00062; TOPMed 0.00065; gnomAD exomes 0.00098; ExAC 0.00126; gnomAD 0.00170.

Submission:

CeGaT Center for Human Genetics Tuebingen
Classification: Likely benign. Last evaluated: 2023-01-01. Review status: criteria provided, single submitter. Criteria: CeGaT Center For Human Genetics Tuebingen Variant Classification Criteria Version 2. Collection method: clinical testing. Allele origin: germline. Affected: yes. Observed: 1 variant allele.
Comment: MYH13: BP4, BP7

NM_003802.3(MYH13):c.1377C>T (p.Ile459=)

Gene: MYH13 (myosin heavy chain 13; minus strand). Cytogenetic location: 17p13.1.
Variant type: single nucleotide variant.
Coding change: c.1377C>T on transcript NM_003802.3 (MANE Select); coding-DNA position 1377, C replaced by T.
Protein change: p.Ile459=; no amino-acid change (isoleucine 459 retained).
Molecular consequence: synonymous variant.
Genome position (GRCh38, 1-based): chr17:10,345,503, G>A on the plus strand (C>T on the coding strand, the complement: MYH13 is on the minus strand). VCF-style: chr17-10345503-G-A. GRCh37 (hg19) VCF-style: chr17-10248820-G-A.
Identifiers: ClinVar variation 2647470 (VCV002647470.24), dbSNP rs181683994, ClinGen allele CA8386411.